The following is an entry in ClinVar:

ClinVar aggregate classification (germline): Likely benign. Review status: criteria provided, multiple submitters, no conflicts (2 of 4 stars). 2 submissions from 2 submitters: Likely benign (2). Last evaluated 2025-04-08.

Conditions:
POLD1-related polyposis and colorectal cancer syndrome (CRCS10). Also called: Colorectal cancer, susceptibility to, 10; Colorectal cancer 10; COLORECTAL CANCER, SUSCEPTIBILITY TO, ON CHROMOSOME 19q. Identifiers: Orphanet 220460, MedGen C2675481, MONDO:0012953, OMIM 612591.

Allele frequency attached by ClinVar (database versions not stated): TOPMed below 0.00001.
gnomAD v4.1: 10 of 1,576,690 alleles (0.00063%); highest among the groups gnomAD compares: South Asian, 0.0035%; no homozygotes.

Submissions (2):

Labcorp Genetics (formerly Invitae), Labcorp
Classification: Likely benign for POLD1-related polyposis and colorectal cancer syndrome. Last evaluated: 2025-04-08. Review status: criteria provided, single submitter. Criteria: Invitae Variant Classification Sherloc (09022015). Collection method: clinical testing. Allele origin: germline.

Myriad Genetics, Inc.
Classification: Likely benign for POLD1-related polyposis and colorectal cancer syndrome. Last evaluated: 2025-02-06. Review status: criteria provided, single submitter. Criteria: Myriad Autosomal Dominant, Autosomal Recessive and X-Linked Classification Criteria (2023). Collection method: clinical testing. Allele origin: unknown.
Comment: This variant is considered likely benign. This variant is intronic and is not expected to impact mRNA splicing.

NM_002691.4(POLD1):c.1495-15C>T

Gene: POLD1 (DNA polymerase delta 1, catalytic subunit; plus strand). Cytogenetic location: 19q13.33.
Variant type: single nucleotide variant.
Coding change: c.1495-15C>T on transcript NM_002691.4 (MANE Select); 15 bases into the intron before coding-DNA position 1495, C replaced by T.
Molecular consequence: intron variant.
Genome position (GRCh38, 1-based): chr19:50,406,968, C>T. VCF-style: chr19-50406968-C-T. GRCh37 (hg19) VCF-style: chr19-50910225-C-T.
Other names: c.1495-15C>T (NM_001256849.1, NM_001308632.1).
Identifiers: ClinVar variation 2189293 (VCV002189293.5), dbSNP rs764924384, ClinGen allele CA996802265.
Genomic context (GRCh38, chr19:50,406,968, plus strand): 5'-ACCCCCACTTCCTTCTCCTGCTCCACCTCCCACCCCCAACCCCTGGTCCCTGACCCCATC[C>T]GTGCCCATCCCCAGAATGGGAACGACCAGACCCGCCGCCGCCTGGCTGTGTACTGCCTGA-3'